The following is an entry in ClinVar:

NM_000363.5(TNNI3):c.471G>A (p.Ala157=)

Gene: TNNI3 (troponin I3, cardiac type; minus strand). Cytogenetic location: 19q13.42.
Variant type: single nucleotide variant.
Coding change: c.471G>A on transcript NM_000363.5 (MANE Select); coding-DNA position 471, G replaced by A.
Protein change: p.Ala157=; no amino-acid change (alanine 157 retained).
Molecular consequence: synonymous variant.
Genome position (GRCh38, 1-based): chr19:55,154,108, C>T on the plus strand (G>A on the coding strand, the complement: TNNI3 is on the minus strand). VCF-style: chr19-55154108-C-T. GRCh37 (hg19) VCF-style: chr19-55665476-C-T.
Identifiers: ClinVar variation 188675 (VCV000188675.20), dbSNP rs747756509, ClinGen allele CA021727.
Genomic context (GRCh38, chr19:55,154,108, plus strand): 5'-CTTCACCTGCTTGAGGTGGGCCCGCAGGTCCAGGGACTCCTTAGCCCGGGCCCCCAGCAG[C>T]GCCTGCATCATGGCATCTGCAGAGATCCTCACTCTCCGCAGGGTGGGCCGCTTAAACTTG-3'
Protein context (NP_000354.4, residues 147-167): VRISADAMMQ[Ala157=]LLGARAKESL

ClinVar aggregate classification (germline): Likely benign. Review status: criteria provided, multiple submitters, no conflicts (2 of 4 stars). 7 submissions from 7 submitters: Likely benign (6). 1 of the submissions does not count toward it. Last evaluated 2025-01-22.

Conditions:
Cardiovascular phenotype. Identifiers: MedGen CN230736.
TNNI3-related disorder. Also called: TNNI3-related disorders; TNNI3-related condition.
Cardiomyopathy (CMYO). Also called: Cardiomyopathies. Identifiers: Orphanet 167848, MedGen C0878544, MONDO:0004994, HP:0001638. Inheritance: Various modes of inheritance.
Hypertrophic cardiomyopathy. Also called: HYPERTROPHIC MYOCARDIOPATHY. Identifiers: Orphanet 217569, MedGen C0007194, MeSH D002312, MONDO:0005045, HP:0001639.

Allele frequency attached by ClinVar (database versions not stated): gnomAD 0.00002; gnomAD exomes 0.00002; TOPMed 0.00002; ExAC 0.00003.

Submissions (7):

Labcorp Genetics (formerly Invitae), Labcorp
Classification: Likely benign for Hypertrophic cardiomyopathy. Last evaluated: 2025-01-22. Review status: criteria provided, single submitter. Criteria: Invitae Variant Classification Sherloc (09022015). Collection method: clinical testing. Allele origin: germline.

All of Us Research Program, National Institutes of Health
Classification: Likely benign for Hypertrophic cardiomyopathy. Last evaluated: 2024-05-30. Review status: criteria provided, single submitter. Criteria: ACMG Guidelines, 2015. Collection method: clinical testing. Allele origin: germline. Inheritance: Autosomal dominant inheritance. Observed: 3 variant alleles, 3 heterozygotes.
Comment: This study involves interpretation of variants in research participants for the purpose of population health screening. Participant phenotype was not available at the time of variant classification. Additional details can be found in publication PMID: 35346344, PMCID: PMC8962531

Blueprint Genetics
Classification: Likely benign. Last evaluated: 2022-05-02. Review status: criteria provided, single submitter. Criteria: ACMG Guidelines, 2015. Collection method: clinical testing. Allele origin: germline.

Ambry Genetics
Classification: Likely benign for Cardiovascular phenotype. Last evaluated: 2020-06-29. Review status: criteria provided, single submitter. Criteria: Ambry Variant Classification Scheme 2023. Collection method: clinical testing. Allele origin: germline.

Color Diagnostics, LLC DBA Color Health
Classification: Likely benign for Cardiomyopathy. Last evaluated: 2019-12-09. Review status: criteria provided, single submitter. Criteria: ACMG Guidelines, 2015. Collection method: clinical testing. Allele origin: germline.

GeneDx
Classification: Likely benign. Last evaluated: 2016-05-12. Review status: criteria provided, single submitter. Criteria: GeneDx Variant Classification (06012015). Collection method: clinical testing. Allele origin: germline. Affected: yes.
Comment: This variant is considered likely benign or benign based on one or more of the following criteria: it is a conservative change, it occurs at a poorly conserved position in the protein, it is predicted to be benign by multiple in silico algorithms, and/or has population frequency not consistent with disease.

PreventionGenetics, part of Exact Sciences
Classification: Likely benign for TNNI3-related condition. Last evaluated: 2024-02-07. Review status: no assertion criteria provided. Collection method: clinical testing. Allele origin: germline. Not counted in ClinVar's aggregate classification.
Comment: This variant is classified as likely benign based on ACMG/AMP sequence variant interpretation guidelines (Richards et al. 2015 PMID: 25741868, with internal and published modifications).